The following is an entry in ClinVar:

ClinVar aggregate classification (germline): Benign (1 of 4 stars; one submission).

Allele frequency attached by ClinVar (database versions not stated): gnomAD 0.16137 and 0.16566; TOPMed 0.16550; 1000 Genomes Project 30x 0.20159; 1000 Genomes Project 0.20727.
gnomAD v4.1: 25,248 of 152,166 alleles (17%); highest among the groups gnomAD compares: East Asian, 28%; 2,168 homozygotes.

Submission:

GeneDx
Classification: Benign. Last evaluated: 2018-06-14. Review status: criteria provided, single submitter. Criteria: GeneDx Variant Classification (06012015). Collection method: clinical testing. Allele origin: germline. Affected: yes.
Comment: This variant is considered likely benign or benign based on one or more of the following criteria: it is a conservative change, it occurs at a poorly conserved position in the protein, it is predicted to be benign by multiple in silico algorithms, and/or has population frequency not consistent with disease.

NM_001365088.1(SLC12A6):c.1119-267T>A

Gene: SLC12A6 (solute carrier family 12 member 6; minus strand). Cytogenetic location: 15q14.
Variant type: single nucleotide variant.
Coding change: c.1119-267T>A on transcript NM_001365088.1 (MANE Select); 267 bases into the intron before coding-DNA position 1119, T replaced by A.
Molecular consequence: intron variant.
Genome position (GRCh38, 1-based): chr15:34,252,651, A>T on the plus strand (T>A on the coding strand, the complement: SLC12A6 is on the minus strand). VCF-style: chr15-34252651-A-T. GRCh37 (hg19) VCF-style: chr15-34544852-A-T.
Other names: c.942-267T>A (NM_001042495.2, NM_001042494.2); c.1092-267T>A (NM_001042496.2); c.1074-267T>A (NM_001042497.2); c.1119-267T>A (NM_133647.2); c.966-267T>A (NM_005135.2).
Identifiers: ClinVar variation 669867 (VCV000669867.1), dbSNP rs60165224, ClinGen allele CA15856799.